The following is an entry in ClinVar:

ClinVar aggregate classification (germline): Uncertain significance. Review status: criteria provided, multiple submitters, no conflicts (2 of 4 stars). 2 submissions from 2 submitters: Uncertain significance (2). Last evaluated 2024-11-09.

Allele frequency attached by ClinVar (database versions not stated): ExAC 0.00002; gnomAD 0.00002; TOPMed 0.00003.
gnomAD v4.1: 43 of 1,613,532 alleles (0.0027%); highest among the groups gnomAD compares: South Asian, 0.02%; no homozygotes.

Submissions (2):

Ambry Genetics
Classification: Uncertain significance. Last evaluated: 2024-11-09. Review status: criteria provided, single submitter. Criteria: Ambry Variant Classification Scheme 2023. Collection method: clinical testing. Allele origin: germline.

Labcorp Genetics (formerly Invitae), Labcorp
Classification: Uncertain significance. Last evaluated: 2022-07-16. Review status: criteria provided, single submitter. Criteria: Invitae Variant Classification Sherloc (09022015). Collection method: clinical testing. Allele origin: germline.
Comment: This sequence change replaces threonine, which is neutral and polar, with methionine, which is neutral and non-polar, at codon 108 of the MESDC2 protein (p.Thr108Met). This variant is present in population databases (rs758089005, gnomAD 0.02%). This variant has not been reported in the literature in individuals affected with MESDC2-related conditions. Algorithms developed to predict the effect of missense changes on protein structure and function are either unavailable or do not agree on the potential impact of this missense change (SIFT: "Deleterious"; PolyPhen-2: "Possibly Damaging"; Align-GVGD: "Class C15"). In summary, the available evidence is currently insufficient to determine the role of this variant in disease. Therefore, it has been classified as a Variant of Uncertain Significance.

NM_015154.3(MESD):c.323C>T (p.Thr108Met)

Gene: MESD (mesoderm development LRP chaperone; minus strand). Cytogenetic location: 15q25.1.
Variant type: single nucleotide variant.
Coding change: c.323C>T on transcript NM_015154.3 (MANE Select); coding-DNA position 323, C replaced by T.
Protein change: p.Thr108Met; replaces threonine 108 with methionine.
Molecular consequence: missense variant. On other transcripts: non-coding transcript variant (1).
Genome position (GRCh38, 1-based): chr15:80,982,073, G>A on the plus strand (C>T on the coding strand, the complement: MESD is on the minus strand). VCF-style: chr15-80982073-G-A. GRCh37 (hg19) VCF-style: chr15-81274414-G-A.
Other names: c.323C>T (NM_015154.1); short protein forms T108M.
Identifiers: ClinVar variation 2186627 (VCV002186627.2), dbSNP rs758089005, ClinGen allele CA7693954.